The following is an entry in ClinVar:

ClinVar aggregate classification (germline): Pathogenic (1 of 4 stars; one submission).

Submission:

Labcorp Genetics (formerly Invitae), Labcorp
Classification: Pathogenic. Last evaluated: 2021-09-05. Review status: criteria provided, single submitter. Criteria: Invitae Variant Classification Sherloc (09022015). Collection method: clinical testing. Allele origin: germline.
Comment: This sequence change creates a premature translational stop signal (p.Glu341Glyfs*22) in the GTPBP3 gene. It is expected to result in an absent or disrupted protein product. Loss-of-function variants in GTPBP3 are known to be pathogenic (PMID: 25434004). This variant is not present in population databases (ExAC no frequency). This variant has not been reported in the literature in individuals affected with GTPBP3-related conditions. For these reasons, this variant has been classified as Pathogenic.

Literature cited by the submitters: PubMed 25434004.

NM_032620.4(GTPBP3):c.925dup (p.Glu309fs)

Gene: GTPBP3 (GTP binding protein 3, mitochondrial; plus strand). Cytogenetic location: 19p13.11.
Variant type: Duplication.
Coding change: c.925dup on transcript NM_032620.4 (MANE Select); coding-DNA position 925, one base duplicated (G; older notation c.925dupG).
Protein change: p.Glu309fs; shifts the reading frame from glutamic acid 309.
Molecular consequence: frameshift variant.
Genome position (GRCh38, 1-based): chr19:17,339,550, G duplicated; the last of 3 consecutive G bases (chr19:17,339,548-17,339,550); duplicating any one gives the same sequence. VCF-style (leftmost placement, unchanged base first): chr19-17339547-C-CG. GRCh37 (hg19) VCF-style: chr19-17450356-C-CG.
Other names: c.925dup, p.Glu309fs (NM_001128855.3); c.991dup, p.Glu331fs (NM_001195422.1); c.1021dup, p.Glu341fs (NM_133644.4); short protein forms E309fs, E331fs, E341fs.
Identifiers: ClinVar variation 1452744 (VCV001452744.6), dbSNP rs2145703172, ClinGen allele CA2573156143.